The following is an entry in ClinVar:

ClinVar aggregate classification (germline): Pathogenic (1 of 4 stars; one submission).

Submission:

Labcorp Genetics (formerly Invitae), Labcorp
Classification: Pathogenic. Last evaluated: 2022-10-21. Review status: criteria provided, single submitter. Criteria: Invitae Variant Classification Sherloc (09022015). Collection method: clinical testing. Allele origin: germline.
Comment: For these reasons, this variant has been classified as Pathogenic. This variant has not been reported in the literature in individuals affected with TRIOBP-related conditions. This variant is not present in population databases (gnomAD no frequency). This sequence change creates a premature translational stop signal (p.Gln1663Profs*47) in the TRIOBP gene. It is expected to result in an absent or disrupted protein product. Loss-of-function variants in TRIOBP are known to be pathogenic (PMID: 16385457, 16385458, 20510926).

Literature cited by the submitters: PubMed 16385457; PubMed 16385458; PubMed 20510926.

NM_001039141.3(TRIOBP):c.4987dup (p.Gln1663fs)

Gene: TRIOBP (TRIO and F-actin binding protein; plus strand). Cytogenetic location: 22q13.1.
Variant type: Duplication.
Coding change: c.4987dup on transcript NM_001039141.3 (MANE Select); coding-DNA position 4987, one base duplicated (C; older notation c.4987dupC).
Protein change: p.Gln1663fs; shifts the reading frame from glutamine 1663.
Molecular consequence: frameshift variant.
Genome position (GRCh38, 1-based): chr22:37,735,323, C duplicated; the last of 3 consecutive C bases (chr22:37,735,321-37,735,323); duplicating any one gives the same sequence. VCF-style (leftmost placement, unchanged base first): chr22-37735320-A-AC. GRCh37 (hg19) VCF-style: chr22-38131327-A-AC.
Other names: short protein forms Q1663fs.
Identifiers: ClinVar variation 1908361 (VCV001908361.5), dbSNP rs2518188382, ClinGen allele CA2580099759.